The following is an entry in ClinVar:

ClinVar aggregate classification (germline): Uncertain significance (1 of 4 stars; one submission).

Submission:

CeGaT Center for Human Genetics Tuebingen
Classification: Uncertain significance. Last evaluated: 2022-12-01. Review status: criteria provided, single submitter. Criteria: CeGaT Center For Human Genetics Tuebingen Variant Classification Criteria Version 2. Collection method: clinical testing. Allele origin: germline. Affected: yes. Observed: 1 variant allele.
Comment: UPF3B: PM2

NM_080632.3(UPF3B):c.1380G>C (p.Lys460Asn)

Gene: UPF3B (UPF3B regulator of nonsense mediated mRNA decay; minus strand). Cytogenetic location: Xq24.
Variant type: single nucleotide variant.
Coding change: c.1380G>C on transcript NM_080632.3 (MANE Select); coding-DNA position 1380, G replaced by C.
Protein change: p.Lys460Asn; replaces lysine 460 with asparagine.
Molecular consequence: missense variant.
Genome position (GRCh38, 1-based): chrX:119,834,950, C>G on the plus strand (G>C on the coding strand, the complement: UPF3B is on the minus strand). VCF-style: chrX-119834950-C-G. GRCh37 (hg19) VCF-style: chrX-118968913-C-G.
Other names: c.1341G>C, p.Lys447Asn (NM_023010.4); short protein forms K447N, K460N.
Identifiers: ClinVar variation 2661304 (VCV002661304.24), dbSNP rs745571424, ClinGen allele CA414181497.